The following is an entry in ClinVar:

NM_001370466.1(NOD2):c.2495dup (p.Cys832fs)

Gene: NOD2 (nucleotide binding oligomerization domain containing 2; plus strand). Cytogenetic location: 16q12.1.
Variant type: Duplication.
Coding change: c.2495dup on transcript NM_001370466.1 (MANE Select); coding-DNA position 2495, one base duplicated (G; older notation c.2495dupG).
Protein change: p.Cys832fs; shifts the reading frame from cysteine 832.
Molecular consequence: frameshift variant. On other transcripts: non-coding transcript variant (1).
Genome position (GRCh38, 1-based): chr16:50,716,920, G duplicated. VCF-style (leftmost placement, unchanged base first): chr16-50716919-T-TG. GRCh37 (hg19) VCF-style: chr16-50750830-T-TG.
Other names: c.2495dup, p.Cys832fs (NM_001293557.2); c.2576dup, p.Cys859fs (NM_022162.3); c.2576dupG (NM_022162.1); c.2576dup (LRG_177t1); short protein forms C859fs, C832fs.
Identifiers: ClinVar variation 524007 (VCV000524007.8), dbSNP rs1555500626, ClinGen allele CA658798602.

ClinVar aggregate classification (germline): Uncertain significance. Review status: criteria provided, multiple submitters, no conflicts (2 of 4 stars). 2 submissions from 2 submitters: Uncertain significance (2). Last evaluated 2025-08-24.

Conditions:
Regional enteritis. Also called: Enteritis, Granulomatous. Identifiers: MedGen C0678202, MeSH D003424.
Blau syndrome (BLAUS). Also called: JABS SYNDROME; ARTHROCUTANEOUVEAL GRANULOMATOSIS; GRANULOMATOSIS, FAMILIAL JUVENILE SYSTEMIC; GRANULOMATOSIS, FAMILIAL, BLAU TYPE; GRANULOMATOUS INFLAMMATORY ARTHRITIS, DERMATITIS, AND UVEITIS, FAMILIAL. Identifiers: Orphanet 90340, MedGen C5201146, MONDO:0008523, OMIM 186580.

Submissions (2):

Labcorp Genetics (formerly Invitae), Labcorp
Classification: Uncertain significance for Regional enteritis; Blau syndrome. Last evaluated: 2025-08-24. Review status: criteria provided, single submitter. Criteria: Invitae Variant Classification Sherloc (09022015). Collection method: clinical testing. Allele origin: germline.
Comment: This sequence change creates a premature translational stop signal (p.Cys859Trpfs*7) in the NOD2 gene. It is expected to result in an absent or disrupted protein product. However, the current clinical and genetic evidence is not sufficient to establish whether loss-of-function variants in NOD2 cause disease. This variant is not present in population databases (gnomAD no frequency). This variant has not been reported in the literature in individuals affected with NOD2-related conditions. ClinVar contains an entry for this variant (Variation ID: 524007). In summary, the available evidence is currently insufficient to determine the role of this variant in disease. Therefore, it has been classified as a Variant of Uncertain Significance.

GeneDx
Classification: Uncertain significance. Last evaluated: 2018-04-02. Review status: criteria provided, single submitter. Criteria: GeneDx Variant Classification (06012015). Collection method: clinical testing. Allele origin: germline. Affected: yes.
Comment: The c.2576dupG variant in the NOD2 gene has not been reported previously as a pathogenic variant nor as a benign variant, to our knowledge. The c.2576dupG variant causes a frameshift starting with codon Cysteine 859, changes this amino acid to a Tryptophan residue, and creates a premature Stop codon at position 7 of the new reading frame, denoted p.Cys859TrpfsX7. This variant is predicted to cause loss of normal protein function either through protein truncation or nonsense-mediated mRNA decay. The c.2576dupG variant is not observed in large population cohorts (Lek et al., 2016). We interpret c.2576dupG as a variant of uncertain significance.